The following is an entry in ClinVar:

ClinVar aggregate classification (germline): Uncertain significance (1 of 4 stars; one submission).

Submission:

Labcorp Genetics (formerly Invitae), Labcorp
Classification: Uncertain significance. Last evaluated: 2024-06-05. Review status: criteria provided, single submitter. Criteria: Invitae Variant Classification Sherloc (09022015). Collection method: clinical testing. Allele origin: germline.
Comment: This sequence change replaces threonine, which is neutral and polar, with serine, which is neutral and polar, at codon 135 of the PDP1 protein (p.Thr135Ser). This variant is present in population databases (rs752170333, gnomAD 0.04%). This variant has not been reported in the literature in individuals affected with PDP1-related conditions. An algorithm developed to predict the effect of missense changes on protein structure and function (PolyPhen-2) suggests that this variant¬†is likely to be tolerated. In summary, the available evidence is currently insufficient to determine the role of this variant in disease. Therefore, it has been classified as a Variant of Uncertain Significance.

NM_018444.4(PDP1):c.404C>G (p.Thr135Ser)

Gene: PDP1 (pyruvate dehydrogenase phosphatase catalytic subunit 1; plus strand). Cytogenetic location: 8q22.1.
Variant type: single nucleotide variant.
Coding change: c.404C>G on transcript NM_018444.4 (MANE Select); coding-DNA position 404, C replaced by G.
Protein change: p.Thr135Ser; replaces threonine 135 with serine.
Molecular consequence: missense variant.
Genome position (GRCh38, 1-based): chr8:93,922,463, C>G. VCF-style: chr8-93922463-C-G. GRCh37 (hg19) VCF-style: chr8-94934691-C-G.
Other names: c.479C>G, p.Thr160Ser (NM_001161779.2, NM_001161780.2); c.404C>G, p.Thr135Ser (NM_001161781.2); short protein forms T160S, T135S.
Identifiers: ClinVar variation 3704184 (VCV003704184.1).